The following is an entry in ClinVar:

NM_000138.5(FBN1):c.5789-13G>A

Gene: FBN1 (fibrillin 1; minus strand). Cytogenetic location: 15q21.1.
Variant type: single nucleotide variant.
Coding change: c.5789-13G>A on transcript NM_000138.5 (MANE Select); 13 bases into the intron before coding-DNA position 5789, G replaced by A.
Molecular consequence: intron variant.
Genome position (GRCh38, 1-based): chr15:48,445,517, C>T on the plus strand (G>A on the coding strand, the complement: FBN1 is on the minus strand). VCF-style: chr15-48445517-C-T. GRCh37 (hg19) VCF-style: chr15-48737714-C-T.
Identifiers: ClinVar variation 923329 (VCV000923329.13), dbSNP rs777593835, ClinGen allele CA055665.
Genomic context (GRCh38, chr15:48,445,517, plus strand): 5'-GGCCATTTCTGCAAAGATTCCCATTTCCACTTGCACATTCATCAACATCTGCAGAAAAAT[C>T]CCCAACAATCCTTTAATATATTCCAAAGATGTCATAATCCCAGCAATAATCAAAACTTCT-3'

ClinVar aggregate classification (germline): Conflicting classifications of pathogenicity. Review status: criteria provided, conflicting classifications (1 of 4 stars). 3 submissions from 3 submitters: Uncertain significance (1); Likely benign (2). Last evaluated 2025-09-22.

Conditions:
Familial thoracic aortic aneurysm and aortic dissection (TAAD). Also called: Thoracic aortic aneurysms and dissections. Identifiers: Orphanet 91387, MedGen C4707243, MONDO:0019625.
Marfan syndrome (MFS). Also called: Marfan syndrome, classic; Marfan syndrome type 1; Marfan's syndrome; FBN1-Related Marfan Syndrome; MARFAN SYNDROME, TYPE I. Identifiers: Orphanet 284963, Orphanet 558, MedGen C0024796, MONDO:0007947, OMIM 154700.
Progeroid and marfanoid aspect-lipodystrophy syndrome. Also called: MARFANOID-PROGEROID SYNDROME; MARFAN-PROGEROID-LIPODYSTROPHY SYNDROME; Marfan lipodystrophy syndrome; MARFANOID-PROGEROID-LIPODYSTROPHY SYNDROME. Identifiers: Orphanet 300382, MedGen C4310796, MONDO:0014831, OMIM 616914.

Allele frequency attached by ClinVar (database versions not stated): TOPMed 0.00001.
gnomAD v4.1: 3 of 1,610,894 alleles (0.00019%); highest among the groups gnomAD compares: Non-Finnish European, 0.00025%; no homozygotes.

Submissions (3):

Labcorp Genetics (formerly Invitae), Labcorp
Classification: Likely benign for Marfan syndrome; Familial thoracic aortic aneurysm and aortic dissection. Last evaluated: 2025-09-22. Review status: criteria provided, single submitter. Criteria: Invitae Variant Classification Sherloc (09022015). Collection method: clinical testing. Allele origin: germline.

Color Diagnostics, LLC DBA Color Health
Classification: Likely benign for Familial thoracic aortic aneurysm and aortic dissection. Last evaluated: 2019-10-22. Review status: criteria provided, single submitter. Criteria: ACMG Guidelines, 2015. Collection method: clinical testing. Allele origin: germline.

Centre for Mendelian Genomics, University Medical Centre Ljubljana
Classification: Uncertain significance for Progeroid and marfanoid aspect-lipodystrophy syndrome. Last evaluated: 2019-08-22. Review status: criteria provided, single submitter. Criteria: ACMG Guidelines, 2015. Collection method: clinical testing. Allele origin: unknown. Affected: yes.
Comment: This variant was classified as: Uncertain significance. The available evidence on this variant's pathogenicity is insufficient or conflicting. The following ACMG criteria were applied in classifying this variant: BP4.